The following is an entry in ClinVar:

ClinVar aggregate classification (germline): Uncertain significance (1 of 4 stars; one submission).

Submission:

Labcorp Genetics (formerly Invitae), Labcorp
Classification: Uncertain significance. Last evaluated: 2024-02-24. Review status: criteria provided, single submitter. Criteria: Invitae Variant Classification Sherloc (09022015). Collection method: clinical testing. Allele origin: germline.
Comment: This sequence change replaces alanine, which is neutral and non-polar, with proline, which is neutral and non-polar, at codon 1483 of the LRP6 protein (p.Ala1483Pro). This variant is not present in population databases (gnomAD no frequency). This variant has not been reported in the literature in individuals affected with LRP6-related conditions. ClinVar contains an entry for this variant (Variation ID: 1352422). An algorithm developed to predict the effect of missense changes on protein structure and function (PolyPhen-2) suggests that this variant is likely to be tolerated. In summary, the available evidence is currently insufficient to determine the role of this variant in disease. Therefore, it has been classified as a Variant of Uncertain Significance.

NM_002336.3(LRP6):c.4447G>C (p.Ala1483Pro)

Gene: LRP6 (LDL receptor related protein 6; minus strand). Cytogenetic location: 12p13.2.
Variant type: single nucleotide variant.
Coding change: c.4447G>C on transcript NM_002336.3 (MANE Select); coding-DNA position 4447, G replaced by C.
Protein change: p.Ala1483Pro; replaces alanine 1483 with proline.
Molecular consequence: missense variant.
Genome position (GRCh38, 1-based): chr12:12,125,298, C>G on the plus strand (G>C on the coding strand, the complement: LRP6 is on the minus strand). VCF-style: chr12-12125298-C-G. GRCh37 (hg19) VCF-style: chr12-12278232-C-G.
Other names: short protein forms A1483P.
Identifiers: ClinVar variation 1352422 (VCV001352422.8), dbSNP rs2136841438, ClinGen allele CA383948343.